The following is an entry in ClinVar:

NM_005411.5(SFTPA1):c.482G>A (p.Arg161His)

Gene: SFTPA1 (surfactant protein A1; plus strand). Cytogenetic location: 10q22.3.
Variant type: single nucleotide variant.
Coding change: c.482G>A on transcript NM_005411.5 (MANE Select); coding-DNA position 482, G replaced by A.
Protein change: p.Arg161His; replaces arginine 161 with histidine.
Molecular consequence: missense variant.
Genome position (GRCh38, 1-based): chr10:79,613,848, G>A. VCF-style: chr10-79613848-G-A. GRCh37 (hg19) VCF-style: chr10-81373604-G-A.
Other names: c.527G>A, p.Arg176His (NM_001093770.3); c.482G>A, p.Arg161His (NM_001164644.2, NM_001164647.1); c.380G>A, p.Arg127His (NM_001164645.2); c.335G>A, p.Arg112His (NM_001164646.2); short protein forms R161H, R176H, R112H, R127H.
Identifiers: ClinVar variation 2344111 (VCV002344111.4), dbSNP rs373120373, ClinGen allele CA5574548.
Genomic context (GRCh38, chr10:79,613,848, plus strand): 5'-GCAATGGGCAGTCCATCACTTTTGATGCCATTCAGGAGGCATGTGCCAGAGCAGGCGGCC[G>A]CATTGCTGTCCCAAGGAATCCAGAGGAAAATGAGGCCATTGCAAGCTTCGTGAAGAAGTA-3'
Protein context (NP_005402.3, residues 151-171): IQEACARAGG[Arg161His]IAVPRNPEEN

ClinVar aggregate classification (germline): Conflicting classifications of pathogenicity. Review status: criteria provided, conflicting classifications (1 of 4 stars). 3 submissions from 3 submitters: Uncertain significance (1); Likely benign (1). 1 of the submissions does not count toward it. Last evaluated 2023-04-19.

Conditions:
Interstitial lung disease 1. Identifiers: MedGen C5562021, MONDO:0030608, OMIM 619611.
SFTPA1-related disorder. Also called: SFTPA1-related condition.

Allele frequency attached by ClinVar (database versions not stated): ESP Exome Variant Server 0.00008; TOPMed 0.00027; gnomAD 0.00031; 1000 Genomes Project 0.00040; ExAC 0.00046; 1000 Genomes Project 30x 0.00047; gnomAD exomes 0.00059.

Submissions (3):

Johns Hopkins Genomics, Johns Hopkins University
Classification: Uncertain significance for Interstitial lung disease 1. Last evaluated: 2023-04-19. Review status: criteria provided, single submitter. Criteria: ACMG Guidelines, 2015. Collection method: clinical testing. Allele origin: germline.
Comment: This SFTPA1 missense variant (rs373120373) is rare (<0.1%) in a large population dataset (gnomAD v2.1.1: 104/281830 total alleles; 0.04%; no homozygotes). It has been reported in ClinVar (Variation ID 2344111), but has not been reported in the literature, to our knowledge. Two bioinformatic tools queried predict that this substitution would be tolerated, and the arginine residue at this position is evolutionarily conserved across only a few of the species assessed. We consider the clinical significance of c.482G>A; p.Arg161His in SFTPA1 to be uncertain at this time.

Ambry Genetics
Classification: Likely benign. Last evaluated: 2022-06-29. Review status: criteria provided, single submitter. Criteria: Ambry Variant Classification Scheme 2023. Collection method: clinical testing. Allele origin: germline.

PreventionGenetics, part of Exact Sciences
Classification: Uncertain significance for SFTPA1-related condition. Last evaluated: 2024-08-31. Review status: no assertion criteria provided. Collection method: clinical testing. Allele origin: germline. Not counted in ClinVar's aggregate classification.
Comment: The SFTPA1 c.482G>A variant is predicted to result in the amino acid substitution p.Arg161His. To our knowledge, this variant has not been reported in the literature. This variant is reported in 0.070% of alleles in individuals of European (Non-Finnish) descent in gnomAD. Although we suspect that this variant may be benign, at this time, the clinical significance of this variant is uncertain due to the absence of conclusive functional and genetic evidence.

Literature cited by the submitters: PubMed 32855221 (cited by Johns Hopkins Genomics, Johns Hopkins University).